The following is an entry in ClinVar:

ClinVar aggregate classification (germline): Likely pathogenic. Review status: criteria provided, single submitter (1 of 4 stars). 2 submissions from 2 submitters: Likely pathogenic (1). 1 of the submissions does not count toward it. Last evaluated 2025-09-18.

Conditions:
CFTR-related disorder (CFTR-RD). Also called: CFTR-related disorders; CFTR-related condition. Identifiers: MedGen C5924204, MONDO:7770004.
Cystic fibrosis (CF). Also called: MUCOVISCIDOSIS. Identifiers: Orphanet 586, MedGen C0010674, MONDO:0009061, OMIM 219700. Disease mechanism: loss of function.

Submissions (2):

Natera, Inc.
Classification: Likely pathogenic for CFTR-related disorders. Last evaluated: 2025-09-18. Review status: criteria provided, single submitter. Criteria: Natera Variant Classification Schema (03/2026). Collection method: clinical testing. Allele origin: germline.
Comment: The c.496A>G variant in CFTR is a missense variant predicted to cause substitution of lysine to glutamic acid at amino acid 166. This variant is rare in the general population with a frequency below the threshold expected for the associated phenotype(s). This variant has been observed in one or more individuals affected with the associated recessive disease, as either homozygous or compound heterozygous with a second variant (PMID: 9067754). Functional studies show that this variant may disrupt protein function (PMID: 33771570). Computational prediction algorithms indicate this variant is likely to affect gene or protein function. Given the available evidence, this variant is classified as Likely Pathogenic.

ClinVar Staff, National Center for Biotechnology Information (NCBI)
No classification provided. Condition: CFTR-related disorders. Review status: no classification provided. Collection method: literature only. Allele origin: germline. Affected: yes. Not counted in ClinVar's aggregate classification.

Literature cited by the submitters: PubMed 9067754 (cited by Natera, Inc. and ClinVar Staff, National Center for Biotechnology Information (NCBI)); PubMed 33771570 (cited by Natera, Inc.); PubMed 18456578 (cited by ClinVar Staff, National Center for Biotechnology Information (NCBI)).

NM_000492.4(CFTR):c.496A>G (p.Lys166Glu)

Gene: CFTR (CF transmembrane conductance regulator; plus strand). Cytogenetic location: 7q31.2.
Variant type: single nucleotide variant.
Coding change: c.496A>G on transcript NM_000492.4 (MANE Select); coding-DNA position 496, A replaced by G.
Protein change: p.Lys166Glu; replaces lysine 166 with glutamic acid.
Molecular consequence: missense variant.
Genome position (GRCh38, 1-based): chr7:117,534,282, A>G. VCF-style: chr7-117534282-A-G. GRCh37 (hg19) VCF-style: chr7-117174336-A-G.
Other names: short protein forms K166E.
Identifiers: ClinVar variation 53978 (VCV000053978.2), dbSNP rs397508738, ClinGen allele CA327538.